The following is an entry in ClinVar:

NM_144666.3(DNHD1):c.10560G>A (p.Gln3520=)

Gene: DNHD1 (dynein heavy chain domain 1; plus strand). Cytogenetic location: 11p15.4.
Variant type: single nucleotide variant.
Coding change: c.10560G>A on transcript NM_144666.3 (MANE Select); coding-DNA position 10560, G replaced by A.
Protein change: p.Gln3520=; no amino-acid change (glutamine 3520 retained).
Molecular consequence: synonymous variant.
Genome position (GRCh38, 1-based): chr11:6,564,608, G>A. VCF-style: chr11-6564608-G-A. GRCh37 (hg19) VCF-style: chr11-6585838-G-A.
Identifiers: ClinVar variation 3055706 (VCV003055706.2), dbSNP rs11825255, ClinGen allele CA5856511.

ClinVar aggregate classification (germline): Benign (0 of 4 stars; one submission).

Conditions:
DNHD1-related disorder. Also called: DNHD1-related condition.

Allele frequency attached by ClinVar (database versions not stated): gnomAD exomes 0.06008; ExAC 0.12462; gnomAD 0.17714; ESP Exome Variant Server 0.18265; TOPMed 0.19717; 1000 Genomes Project 0.19788; 1000 Genomes Project 30x 0.20721.
gnomAD v4.1: 112,046 of 1,551,534 alleles (7.2%); highest among the groups gnomAD compares: African/African-American, 50%; 11,927 homozygotes.

Submission:

PreventionGenetics, part of Exact Sciences
Classification: Benign for DNHD1-related condition. Last evaluated: 2019-11-12. Review status: no assertion criteria provided. Collection method: clinical testing. Allele origin: germline.
Comment: This variant is classified as benign based on ACMG/AMP sequence variant interpretation guidelines (Richards et al. 2015 PMID: 25741868, with internal and published modifications).